The following is an entry in ClinVar:

ClinVar aggregate classification (germline): Benign (1 of 4 stars; one submission).

Allele frequency attached by ClinVar (database versions not stated): gnomAD exomes 0.00039; ExAC 0.00061; gnomAD 0.00264 and 0.00279; TOPMed 0.00293; 1000 Genomes Project 0.00300; 1000 Genomes Project 30x 0.00359.
gnomAD v4.1: 695 of 1,485,118 alleles (0.047%); highest among the groups gnomAD compares: African/African-American, 0.85%; 6 homozygotes.

Submission:

GeneDx
Classification: Benign. Last evaluated: 2014-04-17. Review status: criteria provided, single submitter. Criteria: GeneDx Variant Classification (06012015). Collection method: clinical testing. Allele origin: germline. Affected: yes.
Comment: This variant is considered likely benign or benign based on one or more of the following criteria: it is a conservative change, it occurs at a poorly conserved position in the protein, it is predicted to be benign by multiple in silico algorithms, and/or has population frequency not consistent with disease.

NM_000748.3(CHRNB2):c.-49G>C

Genes: CHRNB2 (cholinergic receptor nicotinic beta 2 subunit; plus strand), LOC129931511 (ATAC-STARR-seq lymphoblastoid silent region 1363; plus strand). Cytogenetic location: 1q21.3.
Variant type: single nucleotide variant.
Coding change: c.-49G>C on transcript NM_000748.3 (MANE Select); 49 bases upstream of the start codon, G replaced by C.
Molecular consequence: 5 prime UTR variant.
Genome position (GRCh38, 1-based): chr1:154,567,996, G>C. VCF-style: chr1-154567996-G-C. GRCh37 (hg19) VCF-style: chr1-154540472-G-C.
Identifiers: ClinVar variation 136771 (VCV000136771.1), dbSNP rs551484822, ClinGen allele CA290093.
Genomic context (GRCh38, chr1:154,567,996, plus strand): 5'-GCTCCAGGCGGGCGCGGCTTCAGCACCACGGACAGCGCCCCACCCGCGGCCCTCCCCCCG[G>C]CGGCGCGCTCCAGCCGGTGTAGGCGAGGCAGCGAGCTATGCCCGCGGCATGGCCCGGCGC-3'